The following is an entry in ClinVar:

NM_006623.4(PHGDH):c.707G>A (p.Arg236His)

Gene: PHGDH (phosphoglycerate dehydrogenase; plus strand). Cytogenetic location: 1p12.
Variant type: single nucleotide variant.
Coding change: c.707G>A on transcript NM_006623.4 (MANE Select); coding-DNA position 707, G replaced by A.
Protein change: p.Arg236His; replaces arginine 236 with histidine.
Molecular consequence: missense variant.
Genome position (GRCh38, 1-based): chr1:119,735,358, G>A. VCF-style: chr1-119735358-G-A. GRCh37 (hg19) VCF-style: chr1-120277981-G-A.
Other names: short protein forms R236H.
Identifiers: ClinVar variation 657985 (VCV000657985.6), dbSNP rs776544484, ClinGen allele CA1037224.

ClinVar aggregate classification (germline): Conflicting classifications of pathogenicity. Review status: criteria provided, conflicting classifications (1 of 4 stars). 4 submissions from 4 submitters: Likely pathogenic (2); Uncertain significance (1). 1 of the submissions does not count toward it. Last evaluated 2026-06-12.

Conditions:
Neurometabolic disorder due to serine deficiency. Identifiers: Orphanet 35705, MedGen C5680148, MONDO:0018162.
PHGDH deficiency. Identifiers: Orphanet 79351, MedGen C1866174, MONDO:0011152, OMIM 601815.

Allele frequency attached by ClinVar (database versions not stated): gnomAD 0.00001; ExAC 0.00002; gnomAD exomes 0.00003 and 0.00004; TOPMed 0.00003.
gnomAD v4.1: 49 of 1,614,092 alleles (0.003%); highest among the groups gnomAD compares: Non-Finnish European, 0.0033%; no homozygotes.

Submissions (4):

Myriad Genetics, Inc.
Classification: Likely pathogenic for Neurometabolic disorder due to serine deficiency. Last evaluated: 2026-06-12. Review status: criteria provided, single submitter. Criteria: Myriad Autosomal Dominant, Autosomal Recessive and X-Linked Classification Criteria (2023). Collection method: clinical testing. Allele origin: unknown.
Comment: NM_006623.3(PHGDH):c.707G>A(R236H) is a missense variant classified as likely pathogenic in the context of serine deficiency disorder, PHGDH-related. R236H has been observed in a case with relevant disease (PMID: 39638571). Relevant functional assessments of this variant are available in the literature (PMID: 33758422). Internal structural analysis of the variant is supportive of pathogenicity. R236H has been observed in referenced population frequency databases. In summary, NM_006623.3(PHGDH):c.707G>A(R236H) is a missense variant that has both functional and internal structural support for pathogenicity and has been observed more frequently in cases with the relevant disease than in healthy populations. Please note: this variant was assessed in the context of healthy population screening.

Victorian Clinical Genetics Services, Murdoch Childrens Research Institute
Classification: Likely pathogenic for PHGDH deficiency. Last evaluated: 2026-01-22. Review status: criteria provided, single submitter. Criteria: ACMG Guidelines, 2015. Collection method: clinical testing. Allele origin: germline. Affected: yes.
Comment: This variant is classified as Likely pathogenic. Evidence in support of pathogenic classification: Variant is present in gnomAD <0.01 for a recessive condition (v4: 49 heterozygote(s), 0 homozygote(s)); This variant has limited previous evidence of pathogenicity in unrelated individuals. This variant has been reported in a homozygous state in an individual with Neu-Laxova syndrome, and classified as likely pathogenic in a homozygous state in a fetus with clinical features consistent with Neu-Laxova syndrome (PMID: 39638571, VKGL-Nijmegen personal communication). Additionally, it has been classified as a VUS by clinical laboratories in ClinVar; This variant has moderate functional evidence supporting abnormal protein function. PHGDH activity was measured to be 0.14 relative to wildtype in HEK293 cells transfected with the p.(Arg236His) variant (PMID: 33758422); Missense variant predicted to be damaging by in silico tool(s) or highly conserved with a major amino acid change. Additional information: Variant is predicted to result in a missense amino acid change from Arg to His; This variant is heterozygous; This gene is associated with autosomal recessive disease; Alternative amino acid change(s) at the same position are present in gnomAD (highest allele count: v4: 181 heterozygote(s), 0 homozygote(s)); No published evidence of segregation with disease has been identified for this variant; Another missense variant comparable to the one identified in this case has inconclusive previous evidence for pathogenicity. The p.(Arg236Cys) variant has been classified as a VUS by clinical laboratories in ClinVar. Additionally, the p.(Arg236Cys) variant has been reported in a compound heterozygous state with another missense variant in an individual with NLS-related features, however they also had a de novo missense variant in FBXO11 (DECIPHER); Variant is located in the annotated D-isomer specific 2-hydroxyacid dehydrogenase NAD binding domain, and affects the NAD binding site (DECIPHER, NCBI); Loss of function is a known mechanism of disease in this gene and is associated with the allelic disorders Neu-Laxova syndrome 1 (MIM#256520) and phosphoglycerate dehydrogenase deficiency (MIM#601815). Neu-Laxova syndrome 1 represents the more severe phenotype of the two disorders, usually resulting in neonatal death (OMIM). Disease severity likely depends on residual enzyme activity (PMID: 32579715; 24836451); Inheritance information for this variant is not currently available in this individual.

Labcorp Genetics (formerly Invitae), Labcorp
Classification: Uncertain significance for PHGDH deficiency. Last evaluated: 2022-10-03. Review status: criteria provided, single submitter. Criteria: Invitae Variant Classification Sherloc (09022015). Collection method: clinical testing. Allele origin: germline.
Comment: This sequence change replaces arginine, which is basic and polar, with histidine, which is basic and polar, at codon 236 of the PHGDH protein (p.Arg236His). This variant is present in population databases (rs776544484, gnomAD 0.01%). This variant has not been reported in the literature in individuals affected with PHGDH-related conditions. ClinVar contains an entry for this variant (Variation ID: 657985). Advanced modeling of protein sequence and biophysical properties (such as structural, functional, and spatial information, amino acid conservation, physicochemical variation, residue mobility, and thermodynamic stability) performed at Invitae indicates that this missense variant is expected to disrupt PHGDH protein function. Experimental studies have shown that this missense change affects PHGDH function (PMID: 33758422). In summary, the available evidence is currently insufficient to determine the role of this variant in disease. Therefore, it has been classified as a Variant of Uncertain Significance.

Natera, Inc.
Classification: Uncertain significance for Phosphoglycerate dehydrogenase deficiency. Last evaluated: 2020-09-26. Review status: no assertion criteria provided. Collection method: clinical testing. Allele origin: germline. Not counted in ClinVar's aggregate classification.

Literature cited by the submitters: PubMed 33758422 (cited by 3 submitters); PubMed 39638571 (cited by Myriad Genetics, Inc. and Victorian Clinical Genetics Services, Murdoch Childrens Research Institute); PubMed 32579715 (cited by Victorian Clinical Genetics Services, Murdoch Childrens Research Institute).